The following is an entry in ClinVar:

ClinVar aggregate classification (germline): Likely pathogenic. Review status: criteria provided, multiple submitters, no conflicts (2 of 4 stars). 2 submissions from 2 submitters: Likely pathogenic (2). Last evaluated 2022-05-13.

Conditions:
Bloom syndrome (BLM). Also called: Bloom-Torre-Machacek syndrome. Identifiers: Orphanet 125, MedGen C0005859, MONDO:0008876, OMIM 210900.
Hereditary cancer-predisposing syndrome. Also called: Neoplastic Syndromes, Hereditary; Tumor predisposition; Hereditary Cancer Syndrome; Hereditary neoplastic syndrome. Identifiers: Orphanet 140162, MedGen C0027672, MeSH D009386, MONDO:0015356.

Submissions (2):

Labcorp Genetics (formerly Invitae), Labcorp
Classification: Likely pathogenic for Bloom syndrome. Last evaluated: 2022-05-13. Review status: criteria provided, single submitter. Criteria: Invitae Variant Classification Sherloc (09022015). Collection method: clinical testing. Allele origin: germline.
Comment: In summary, the currently available evidence indicates that the variant is pathogenic, but additional data are needed to prove that conclusively. Therefore, this variant has been classified as Likely Pathogenic. Algorithms developed to predict the effect of sequence changes on RNA splicing suggest that this variant may disrupt the consensus splice site. ClinVar contains an entry for this variant (Variation ID: 821484). This variant has not been reported in the literature in individuals affected with BLM-related conditions. This variant is not present in population databases (gnomAD no frequency). This sequence change affects an acceptor splice site in intron 12 of the BLM gene. It is expected to disrupt RNA splicing. Variants that disrupt the donor or acceptor splice site typically lead to a loss of protein function (PMID: 16199547), and loss-of-function variants in BLM are known to be pathogenic (PMID: 17407155).

Ambry Genetics
Classification: Likely pathogenic for Hereditary cancer-predisposing syndrome. Last evaluated: 2019-09-23. Review status: criteria provided, single submitter. Criteria: Ambry Variant Classification Scheme 2023. Collection method: clinical testing. Allele origin: germline.
Comment: The c.2556-2A>G intronic variant results from an A to G substitution two nucleotides upstream from coding exon 12 in the BLM gene. This nucleotide position is highly conserved in available vertebrate species. Using the BDGP and ESEfinder splice site prediction tools, this alteration is predicted to abolish the native splice acceptor site; however, direct evidence is unavailable. Alterations that disrupt the canonical splice site are expected to cause aberrant splicing, resulting in an abnormal protein or a transcript that is subject to nonsense-mediated mRNA decay. As such, this alteration is classified as likely pathogenic.

Literature cited by the submitters: PubMed 16199547 (cited by Labcorp Genetics (formerly Invitae), Labcorp); PubMed 17407155 (cited by Labcorp Genetics (formerly Invitae), Labcorp).

NM_000057.4(BLM):c.2556-2A>G

Gene: BLM (BLM RecQ like helicase; plus strand). Cytogenetic location: 15q26.1.
Variant type: single nucleotide variant.
Coding change: c.2556-2A>G on transcript NM_000057.4 (MANE Select); the canonical splice acceptor site of the intron before coding-DNA position 2556, A replaced by G.
Molecular consequence: splice acceptor variant.
Genome position (GRCh38, 1-based): chr15:90,782,820, A>G. VCF-style: chr15-90782820-A-G. GRCh37 (hg19) VCF-style: chr15-91326050-A-G.
Other names: c.2556-2A>G (NM_001287246.2, NM_001287247.2); c.1431-2A>G (NM_001287248.2).
Identifiers: ClinVar variation 821484 (VCV000821484.15), dbSNP rs1596250255, ClinGen allele CA393845576.